The following is an entry in ClinVar:

ClinVar aggregate classification (germline): Uncertain significance (1 of 4 stars; one submission).

Conditions:
Primary ciliary dyskinesia. Also called: Ciliary dyskinesia. Identifiers: Orphanet 244, MedGen C0008780, MONDO:0016575, HP:0012265.

Allele frequency attached by ClinVar (database versions not stated): gnomAD 0.00001; TOPMed 0.00002; gnomAD exomes 0.00003.
gnomAD v4.1: 43 of 1,564,368 alleles (0.0027%); highest among the groups gnomAD compares: Non-Finnish European, 0.0034%; no homozygotes.

Submission:

Ambry Genetics
Classification: Uncertain significance for Primary ciliary dyskinesia. Last evaluated: 2017-05-16. Review status: criteria provided, single submitter. Criteria: Ambry Variant Classification Scheme 2023. Collection method: clinical testing. Allele origin: germline.
Comment: The c.692+3A>G intronic variant results from an A to G substitution 3 nucleotides after coding exon 3 in the DNAH11 gene. This nucleotide position is highly conserved in available vertebrate species. This alteration is predicted to weaken the efficiency of the native splice donor by BDGP splice site prediction tool, but is not predicted to have any significant effect on the native splice donor by ESEfinder splice site prediction tool; however, direct evidence is unavailable. Since supporting evidence is limited at this time, the clinical significance of this alteration remains unclear.

NM_001277115.2(DNAH11):c.692+3A>G

Gene: DNAH11 (dynein axonemal heavy chain 11; plus strand). Cytogenetic location: 7p15.3.
Variant type: single nucleotide variant.
Coding change: c.692+3A>G on transcript NM_001277115.2 (MANE Select); 3 bases into the intron after coding-DNA position 692, A replaced by G.
Molecular consequence: intron variant.
Genome position (GRCh38, 1-based): chr7:21,559,001, A>G. VCF-style: chr7-21559001-A-G. GRCh37 (hg19) VCF-style: chr7-21598619-A-G.
Identifiers: ClinVar variation 1756171 (VCV001756171.2), dbSNP rs764774028, ClinGen allele CA155074597.